The following is an entry in ClinVar:

ClinVar aggregate classification (germline): Uncertain significance (1 of 4 stars; one submission).

Conditions:
Intellectual developmental disorder, autosomal recessive 3. Also called: Intellectual disability, autosomal recessive 3. Identifiers: Orphanet 88616, MedGen C1838023, MONDO:0012037, OMIM 608443.

Allele frequency attached by ClinVar (database versions not stated): gnomAD 0.00001; ExAC 0.00002; TOPMed 0.00002.
gnomAD v4.1: 3 of 1,613,908 alleles (0.00019%); highest among the groups gnomAD compares: East Asian, 0.0045%; no homozygotes.

Submission:

Baylor Genetics
Classification: Uncertain significance for Intellectual developmental disorder, autosomal recessive 3. Last evaluated: 2019-05-30. Review status: criteria provided, single submitter. Criteria: ACMG Guidelines, 2015. Collection method: clinical testing. Allele origin: unknown. Affected: yes.
Comment: This variant was determined to be of uncertain significance according to ACMG Guidelines, 2015 [PMID:25741868].

NM_017721.5(CC2D1A):c.1948C>T (p.Pro650Ser)

Gene: CC2D1A (coiled-coil and C2 domain containing 1A; plus strand). Cytogenetic location: 19p13.12.
Variant type: single nucleotide variant.
Coding change: c.1948C>T on transcript NM_017721.5 (MANE Select); coding-DNA position 1948, C replaced by T.
Protein change: p.Pro650Ser; replaces proline 650 with serine.
Molecular consequence: missense variant.
Genome position (GRCh38, 1-based): chr19:13,926,524, C>T. VCF-style: chr19-13926524-C-T. GRCh37 (hg19) VCF-style: chr19-14037337-C-T.
Other names: short protein forms P650S.
Identifiers: ClinVar variation 1030586 (VCV001030586.3), dbSNP rs746894472, ClinGen allele CA9244876.
Genomic context (GRCh38, chr19:13,926,524, plus strand): 5'-TGAGGTGCCTCTGTTTCCCTGCCCACCTGCCTGCCCACCTGCCCACCCGGAAGGATCTTC[C>T]CTGACCTCAGCAGCAACGACATGCTCCTCTTCATCGTGAAGGGCATCAACTTGCCCACAC-3'
Protein context (NP_060191.3, residues 640-660): QRTFSVIKIF[Pro650Ser]DLSSNDMLLF